The following is an entry in ClinVar:

NM_001291303.3(FAT4):c.10158A>G (p.Ala3386=)

Gene: FAT4 (FAT atypical cadherin 4; plus strand). Cytogenetic location: 4q28.1.
Variant type: single nucleotide variant.
Coding change: c.10158A>G on transcript NM_001291303.3 (MANE Select); coding-DNA position 10158, A replaced by G.
Protein change: p.Ala3386=; no amino-acid change (alanine 3386 retained).
Molecular consequence: synonymous variant.
Genome position (GRCh38, 1-based): chr4:125,451,168, A>G. VCF-style: chr4-125451168-A-G. GRCh37 (hg19) VCF-style: chr4-126372323-A-G.
Other names: c.10158A>G, p.Ala3386= (NM_001291285.3); c.10152A>G, p.Ala3384= (NM_024582.6).
Identifiers: ClinVar variation 506585 (VCV000506585.40), dbSNP rs144585931, ClinGen allele CA3073641.

ClinVar aggregate classification (germline): Benign. Review status: criteria provided, multiple submitters, no conflicts (2 of 4 stars). 7 submissions from 7 submitters: Benign (4). 3 of the submissions do not count toward it. Last evaluated 2026-08-01.

Conditions:
FAT4-related disorder. Also called: FAT4-related condition.

Allele frequency attached by ClinVar (database versions not stated): gnomAD exomes 0.00063 and 0.00161; ExAC 0.00193; gnomAD 0.00454 and 0.00489; ESP Exome Variant Server 0.00500; TOPMed 0.00529; 1000 Genomes Project 30x 0.00547; 1000 Genomes Project 0.00559.
gnomAD v4.1: 1,692 of 1,614,172 alleles (0.1%); highest among the groups gnomAD compares: African/African-American, 1.5%; 16 homozygotes.

Submissions (8):

CeGaT Center for Human Genetics Tuebingen
Classification: Benign. Last evaluated: 2026-08-01. Review status: criteria provided, single submitter. Criteria: CeGaT Center For Human Genetics Tuebingen Variant Classification Criteria Version 2. Collection method: clinical testing. Allele origin: germline. Affected: yes. Observed: 3 variant alleles.
Comment: FAT4: BP4, BP7, BS1, BS2

Labcorp Genetics (formerly Invitae), Labcorp
Classification: Benign. Last evaluated: 2026-02-02. Review status: criteria provided, single submitter. Criteria: Invitae Variant Classification Sherloc (09022015). Collection method: clinical testing. Allele origin: germline.

GeneDx
Classification: Benign. Last evaluated: 2018-02-06. Review status: criteria provided, single submitter. Criteria: GeneDx Variant Classification (06012015). Collection method: clinical testing. Allele origin: germline. Affected: yes.
Comment: This variant is considered likely benign or benign based on one or more of the following criteria: it is a conservative change, it occurs at a poorly conserved position in the protein, it is predicted to be benign by multiple in silico algorithms, and/or has population frequency not consistent with disease.

Breakthrough Genomics
Classification: Benign. Review status: criteria provided, single submitter. Criteria: ACMG Guidelines, 2015. Collection method: not provided. Allele origin: germline. Inheritance: Autosomal recessive inheritance. Affected: yes.

PreventionGenetics, part of Exact Sciences
Classification: Benign for FAT4-related condition. Last evaluated: 2019-03-14. Review status: no assertion criteria provided. Collection method: clinical testing. Allele origin: germline. Not counted in ClinVar's aggregate classification.
Comment: This variant is classified as benign based on ACMG/AMP sequence variant interpretation guidelines (Richards et al. 2015 PMID: 25741868, with internal and published modifications).

Clinical Genetics DNA and cytogenetics Diagnostics Lab, Erasmus MC, Erasmus Medical Center
Classification: Benign. Review status: no assertion criteria provided. Collection method: clinical testing. Allele origin: germline. Affected: yes. Study: VKGL Data-share Consensus. Not counted in ClinVar's aggregate classification.

Clinical Genetics, Academic Medical Center
Classification: Benign. Review status: no assertion criteria provided. Collection method: clinical testing. Allele origin: germline. Affected: yes. Study: VKGL Data-share Consensus. Not counted in ClinVar's aggregate classification.

Dr. Peter K. Rogan Lab, Western University
No classification provided (evidence only). Condition: Ovarian serous cystadenocarcinoma. Review status: no classification provided. Collection method: in vitro. Allele origin: not applicable. Functional consequence: retained intron. Not counted in ClinVar's aggregate classification.